The following is an entry in ClinVar:

NM_002878.4(RAD51D):c.2T>A (p.Met1Lys)

Genes: RAD51D (RAD51 paralog D; minus strand), RAD51L3-RFFL (RAD51L3-RFFL readthrough; minus strand). Cytogenetic location: 17q12.
Variant type: single nucleotide variant.
Coding change: c.2T>A on transcript NM_002878.4 (MANE Select); coding-DNA position 2, T replaced by A.
Protein change: p.Met1Lys; changes the start codon (methionine 1).
Molecular consequence: missense variant, initiator codon variant. On other transcripts: non-coding transcript variant (2).
Genome position (GRCh38, 1-based): chr17:35,119,612, A>T on the plus strand (T>A on the coding strand, the complement: RAD51D is on the minus strand). VCF-style: chr17-35119612-A-T. GRCh37 (hg19) VCF-style: chr17-33446631-A-T.
Other names: c.2T>A, p.Met1Lys (NM_001142571.2, NM_133629.3); short protein forms M1K.
Identifiers: ClinVar variation 449883 (VCV000449883.11), dbSNP rs1064794619, ClinGen allele CA399092629.

ClinVar aggregate classification (germline): Conflicting classifications of pathogenicity. Review status: criteria provided, conflicting classifications (1 of 4 stars). 5 submissions from 5 submitters: Likely pathogenic (4); Uncertain significance (1). Last evaluated 2026-01-20.

Conditions:
Breast-ovarian cancer, familial, susceptibility to, 4. Identifiers: Orphanet 145, MedGen C3280345, MONDO:0013669, OMIM 614291.
Hereditary cancer-predisposing syndrome. Also called: Neoplastic Syndromes, Hereditary; Tumor predisposition; Hereditary neoplastic syndrome; Hereditary Cancer Syndrome. Identifiers: Orphanet 140162, MedGen C0027672, MeSH D009386, MONDO:0015356.

Submissions (5):

Ambry Genetics
Classification: Likely pathogenic for Hereditary cancer-predisposing syndrome. Last evaluated: 2026-01-20. Review status: criteria provided, single submitter. Criteria: Ambry Variant Classification Scheme 2023. Collection method: clinical testing. Allele origin: germline.
Comment: The p.M1? variant (also known as c.2T>A) is located in coding exon 1 of the RAD51D gene and results from a T to A substitution at nucleotide position 2. This alters the methionine residue at the initiation codon (ATG). This variant was identified in a cohort of 4439 women with ovarian cancer undergoing multigene panel testing at one laboratory (Carter NJ et al. Gynecol Oncol, 2018 12;151:481-488). This amino acid position is highly conserved in available vertebrate species. This variant is considered to be rare based on population cohorts in the Genome Aggregation Database (gnomAD). In addition to the clinical data presented in the literature, sequence variations that modify the initiation codon are expected to result in either loss of translation initiation, N-terminal truncation, or cause a shift in the mRNA reading frame. Based on the majority of available evidence to date, this variant is likely to be pathogenic.

Quest Diagnostics Nichols Institute San Juan Capistrano
Classification: Likely pathogenic. Last evaluated: 2025-04-15. Review status: criteria provided, single submitter. Criteria: Quest Diagnostics criteria. Collection method: clinical testing. Allele origin: unknown.
Comment: The RAD51D c.2T>A variant disrupts the translation initiation codon of the RAD51D mRNA and is predicted to interfere with RAD51D protein synthesis. This variant has been reported in the published literature in an individual with ovarian cancer (PMID: 30322717 (2018)). This variant is also in a domain that is noted to be important for RAD51 function (PMID: 21111057 (2011)). This variant has not been reported in large, multi-ethnic general populations (Genome Aggregation Database). Based on the available information, this variant is classified as likely pathogenic.

Labcorp Genetics (formerly Invitae), Labcorp
Classification: Uncertain significance for Breast-ovarian cancer, familial, susceptibility to, 4. Last evaluated: 2024-09-09. Review status: criteria provided, single submitter. Criteria: Invitae Variant Classification Sherloc (09022015). Collection method: clinical testing. Allele origin: germline.
Comment: This sequence change affects the initiator methionine of the RAD51D mRNA. The next in-frame methionine is located at codon 16. This variant is not present in population databases (gnomAD no frequency). Disruption of the initiator codon has been observed in individual(s) with breast cancer, colon polyps, and/or ovarian cancer (PMID: 24130102, 26681312, 30322717, 33047316). ClinVar contains an entry for this variant (Variation ID: 449883). In summary, the available evidence is currently insufficient to determine the role of this variant in disease. Therefore, it has been classified as a Variant of Uncertain Significance.

Color Diagnostics, LLC DBA Color Health
Classification: Likely pathogenic for Hereditary cancer-predisposing syndrome. Last evaluated: 2021-03-10. Review status: criteria provided, single submitter. Criteria: ACMG Guidelines, 2015. Collection method: clinical testing. Allele origin: germline.
Comment: This variant results in the loss of translation initiator codon of the RAD51D gene. Although functional studies have not been reported, this variant is expected to result in an absent or non-functional protein product. It has been shown that the highly conserved RAD51D N-terminus (amino acid 1-83) encodes the single-stranded DNA binding domain and that the 13-residue N-terminal tail (amino acid 1-13) contributes to proper protein folding via hydrophobic interactions between side chains of the N-terminal tail and alpha helices of the single-stranded DNA binding domain (PMID: 21111057). These findings suggest that the production of a full-length protein from p.Met1 is important for RAD51 function. While an in-frame methionine occurs at codon 16, it is not known if it can serve as an alternative translation initiation site to produce a functional RAD51D protein. To our knowledge, this variant has not been reported in individuals affected with hereditary cancer in the literature. However, different variants (c.1A>G, c.1A>T) that also disrupt p.Met1 have been reported in individuals affected with ovarian cancer (ClinVar variation ID: 127884, 419798). This variant has not been identified in the general population by the Genome Aggregation Database (gnomAD). Based on the available evidence, this variant is classified as Likely Pathogenic.

GeneDx
Classification: Likely pathogenic. Last evaluated: 2017-03-17. Review status: criteria provided, single submitter. Criteria: GeneDx Variant Classification (06012015). Collection method: clinical testing. Allele origin: germline. Affected: yes.
Comment: This variant alters the initiator Methionine codon, and the resultant protein would be described as Â“p.Met1?Â” to signify that it is not known if the loss of Met1 prevents all protein translation or if an abnormal protein is produced using an alternate Methionine codon. RAD51D c.2T>A has not been previously published as a pathogenic variant, nor has it been reported as a benign polymorphism to our knowledge. However, the adjacent variant RAD51D c.1A>T, which also results in p.Met1?, has been reported in an individual with a personal history of both breast and ovarian cancer (Gutierrez-Enriquez 2014). As RAD51D c.2T>A is predicted to alter normal protein production, it is considered to be a likely pathogenic variant.

Literature cited by the submitters: PubMed 30322717 (cited by 3 submitters); PubMed 21111057 (cited by Quest Diagnostics Nichols Institute San Juan Capistrano); PubMed 24130102 (cited by Labcorp Genetics (formerly Invitae), Labcorp); PubMed 26681312 (cited by Labcorp Genetics (formerly Invitae), Labcorp); PubMed 33047316 (cited by Labcorp Genetics (formerly Invitae), Labcorp).